The following is an entry in ClinVar:

ClinVar aggregate classification (germline): Uncertain significance. Review status: criteria provided, single submitter (1 of 4 stars). 2 submissions from 2 submitters: Uncertain significance (1). 1 of the submissions does not count toward it. Last evaluated 2024-11-24.

Conditions:
SEMA3G-related disorder. Also called: SEMA3G-related condition.

Allele frequency attached by ClinVar (database versions not stated): ExAC 0.00002; gnomAD 0.00003; TOPMed 0.00003.
gnomAD v4.1: 51 of 1,613,446 alleles (0.0032%); highest among the groups gnomAD compares: Non-Finnish European, 0.0042%; no homozygotes.

Submissions (2):

Ambry Genetics
Classification: Uncertain significance. Last evaluated: 2024-11-24. Review status: criteria provided, single submitter. Criteria: Ambry Variant Classification Scheme 2023. Collection method: clinical testing. Allele origin: germline.

PreventionGenetics, part of Exact Sciences
Classification: Uncertain significance for SEMA3G-related condition. Last evaluated: 2024-01-24. Review status: no assertion criteria provided. Collection method: clinical testing. Allele origin: germline. Not counted in ClinVar's aggregate classification.
Comment: The SEMA3G c.1475C>T variant is predicted to result in the amino acid substitution p.Thr492Ile. To our knowledge, this variant has not been reported in the literature. This variant is reported in 0.0031% of alleles in individuals of European (Non-Finnish) descent in gnomAD. At this time, the clinical significance of this variant is uncertain due to the absence of conclusive functional and genetic evidence.

NM_020163.3(SEMA3G):c.1475C>T (p.Thr492Ile)

Gene: SEMA3G (semaphorin 3G; minus strand). Cytogenetic location: 3p21.1.
Variant type: single nucleotide variant.
Coding change: c.1475C>T on transcript NM_020163.3 (MANE Select); coding-DNA position 1475, C replaced by T.
Protein change: p.Thr492Ile; replaces threonine 492 with isoleucine.
Molecular consequence: missense variant.
Genome position (GRCh38, 1-based): chr3:52,438,954, G>A on the plus strand (C>T on the coding strand, the complement: SEMA3G is on the minus strand). VCF-style: chr3-52438954-G-A. GRCh37 (hg19) VCF-style: chr3-52472970-G-A.
Other names: c.1475C>T (NM_020163.1); short protein forms T492I.
Identifiers: ClinVar variation 3031255 (VCV003031255.3), dbSNP rs755573122, ClinGen allele CA2437916.